The following is an entry in ClinVar:

ClinVar aggregate classification (germline): Conflicting classifications of pathogenicity. Review status: criteria provided, conflicting classifications (1 of 4 stars). 2 submissions from 2 submitters: Uncertain significance (1); Likely benign (1). Last evaluated 2024-08-12.

Conditions:
Developmental and epileptic encephalopathy, 31A. Also called: Epileptic encephalopathy, early infantile, 31; Developmental and epileptic encephalopathy, 31. Identifiers: Orphanet 2382, MedGen C4225357, MONDO:0014598, OMIM 616346.

Allele frequency attached by ClinVar (database versions not stated): gnomAD exomes below 0.00001.
gnomAD v4.1: 1 of 1,351,302 alleles (0.000074%); highest among the groups gnomAD compares: Admixed American, 0.0037%; no homozygotes.

Submissions (2):

Labcorp Genetics (formerly Invitae), Labcorp
Classification: Likely benign for Developmental and epileptic encephalopathy, 31A. Last evaluated: 2024-08-12. Review status: criteria provided, single submitter. Criteria: Invitae Variant Classification Sherloc (09022015). Collection method: clinical testing. Allele origin: germline.

GeneDx
Classification: Uncertain significance. Last evaluated: 2023-01-16. Review status: criteria provided, single submitter. Criteria: GeneDx Variant Classification Process June 2021. Collection method: clinical testing. Allele origin: germline. Affected: yes.
Comment: Not observed at significant frequency in large population cohorts (gnomAD); In silico analysis supports that this variant does not alter splicing; Has not been previously published as pathogenic or benign to our knowledge

NM_004408.4(DNM1):c.2466C>A (p.Ser822=)

Genes: DNM1 (dynamin 1; plus strand), LOC130002699 (ATAC-STARR-seq lymphoblastoid silent region 20333; plus strand). Cytogenetic location: 9q34.11.
Variant type: single nucleotide variant.
Coding change: c.2466C>A on transcript NM_004408.4 (MANE Select); coding-DNA position 2466, C replaced by A.
Protein change: p.Ser822=; no amino-acid change (serine 822 retained).
Molecular consequence: synonymous variant.
Genome position (GRCh38, 1-based): chr9:128,250,872, C>A. VCF-style: chr9-128250872-C-A. GRCh37 (hg19) VCF-style: chr9-131013151-C-A.
Other names: c.2466C>A (NM_004408.3); c.2466C>A, p.Ser822= (NM_001005336.3, NM_001288737.2, NM_001288738.2 and 2 more transcripts).
Identifiers: ClinVar variation 1984872 (VCV001984872.5), dbSNP rs1554785772, ClinGen allele CA467267143.